The following is an entry in ClinVar:

ClinVar aggregate classification (germline): Uncertain significance (1 of 4 stars; one submission).

Conditions:
Hereditary cancer-predisposing syndrome. Also called: Neoplastic Syndromes, Hereditary; Tumor predisposition; Hereditary Cancer Syndrome; Hereditary neoplastic syndrome. Identifiers: Orphanet 140162, MedGen C0027672, MeSH D009386, MONDO:0015356.

gnomAD v4.1: 1 of 1,611,922 alleles (0.000062%); highest among the groups gnomAD compares: South Asian, 0.0011%; no homozygotes.

Submission:

Ambry Genetics
Classification: Uncertain significance for Hereditary cancer-predisposing syndrome. Last evaluated: 2020-11-03. Review status: criteria provided, single submitter. Criteria: Ambry Variant Classification Scheme 2023. Collection method: clinical testing. Allele origin: germline.
Comment: The p.I669F variant (also known as c.2005A>T), located in coding exon 11 of the RET gene, results from an A to T substitution at nucleotide position 2005. The isoleucine at codon 669 is replaced by phenylalanine, an amino acid with highly similar properties. This amino acid position is well conserved in available vertebrate species. In addition, the in silico prediction for this alteration is inconclusive. Since supporting evidence is limited at this time, the clinical significance of this alteration remains unclear.

NM_020975.6(RET):c.2005A>T (p.Ile669Phe)

Gene: RET (ret proto-oncogene; plus strand). Cytogenetic location: 10q11.21.
Variant type: single nucleotide variant.
Coding change: c.2005A>T on transcript NM_020975.6 (MANE Select); coding-DNA position 2005, A replaced by T.
Protein change: p.Ile669Phe; replaces isoleucine 669 with phenylalanine.
Molecular consequence: missense variant.
Genome position (GRCh38, 1-based): chr10:43,114,605, A>T. VCF-style: chr10-43114605-A-T. GRCh37 (hg19) VCF-style: chr10-43610053-A-T.
Other names: c.2005A>T, p.Ile669Phe (NM_000323.2, NM_001406743.1, NM_001406744.1 and 4 more transcripts); c.1243A>T, p.Ile415Phe (NM_001355216.2); c.1876A>T, p.Ile626Phe (NM_001406761.1, NM_001406762.1, NM_001406764.1); c.1717A>T, p.Ile573Phe (NM_001406766.1, NM_001406767.1, NM_001406770.1); c.1609A>T, p.Ile537Phe (NM_001406769.1, NM_001406772.1); c.1567A>T, p.Ile523Phe (NM_001406771.1, NM_001406773.1); c.1480A>T, p.Ile494Phe (NM_001406774.1); c.1279A>T, p.Ile427Phe (NM_001406775.1, NM_001406776.1, NM_001406777.1 and 1 more transcripts); and 7 more; short protein forms I327F, I370F, I427F, I234F, I415F, I523F, I626F, I186F.
Identifiers: ClinVar variation 1784307 (VCV001784307.2), dbSNP rs776986585, ClinGen allele CA036880.
Genomic context (GRCh38, chr10:43,114,605, plus strand): 5'-TCGGTGCTGCTGTCTGCCTTCTGCATCCACTGCTACCACAAGTTTGCCCACAAGCCACCC[A>T]TCTCCTCAGCTGAGATGACCTTCCGGAGGCCCGCCCAGGCCTTCCCGGTCAGCTACTCCT-3'
Protein context (NP_066124.1, residues 659-679): CYHKFAHKPP[Ile669Phe]SSAEMTFRRP